The following is an entry in ClinVar:

ClinVar aggregate classification (germline): Pathogenic/Likely pathogenic. Review status: criteria provided, multiple submitters, no conflicts (2 of 4 stars). 2 submissions from 2 submitters: Pathogenic (1); Likely pathogenic (1). Last evaluated 2024-06-03.

Conditions:
Desbuquois dysplasia 1 (DBQD1). Also called: MICROMELIC DWARFISM WITH VERTEBRAL AND METAPHYSEAL ABNORMALITIES AND ADVANCED CARPOTARSAL OSSIFICATION; DESBUQUOIS DYSPLASIA 1, KIM VARIANT. Identifiers: Orphanet 1425, MedGen C4012146, MONDO:0009629, OMIM 251450.
Epiphyseal dysplasia, multiple, 7. Identifiers: Orphanet 647676, MedGen C4540251, MONDO:0054680, OMIM 617719.

Allele frequency attached by ClinVar (database versions not stated): ExAC 0.00001.

Submissions (2):

Fulgent Genetics
Classification: Likely pathogenic for Desbuquois dysplasia 1; Epiphyseal dysplasia, multiple, 7. Last evaluated: 2024-06-03. Review status: criteria provided, single submitter. Criteria: ACMG Guidelines, 2015. Collection method: clinical testing. Allele origin: germline.

Labcorp Genetics (formerly Invitae), Labcorp
Classification: Pathogenic. Last evaluated: 2023-03-02. Review status: criteria provided, single submitter. Criteria: Invitae Variant Classification Sherloc (09022015). Collection method: clinical testing. Allele origin: germline.
Comment: This variant is present in population databases (rs752656397, gnomAD 0.006%). For these reasons, this variant has been classified as Pathogenic. Algorithms developed to predict the effect of sequence changes on RNA splicing suggest that this variant may create or strengthen a splice site. This variant has not been reported in the literature in individuals affected with CANT1-related conditions. This sequence change creates a premature translational stop signal (p.Arg63Profs*67) in the CANT1 gene. It is expected to result in an absent or disrupted protein product. Loss-of-function variants in CANT1 are known to be pathogenic (PMID: 19853239, 21037275, 22539336).

Literature cited by the submitters: PubMed 19853239 (cited by Labcorp Genetics (formerly Invitae), Labcorp); PubMed 21037275 (cited by Labcorp Genetics (formerly Invitae), Labcorp); PubMed 22539336 (cited by Labcorp Genetics (formerly Invitae), Labcorp).

NM_001159773.2(CANT1):c.188del (p.Arg63fs)

Gene: CANT1 (calcium activated nucleotidase 1; minus strand). Cytogenetic location: 17q25.3.
Variant type: Deletion.
Coding change: c.188del on transcript NM_001159773.2 (MANE Select); coding-DNA position 188, one base deleted (G; older notation c.188delG).
Protein change: p.Arg63fs; shifts the reading frame from arginine 63.
Molecular consequence: frameshift variant.
Genome position (GRCh38, 1-based): chr17:78,997,435, C deleted on the plus strand (G on the coding strand, the reverse complement: CANT1 is on the minus strand). VCF-style (leftmost placement, unchanged base first): chr17-78997434-GC-G. GRCh37 (hg19) VCF-style: chr17-76993516-GC-G.
Other names: c.188del, p.Arg63fs (NM_001159772.2, NM_138793.4); short protein forms R63fs.
Identifiers: ClinVar variation 2838791 (VCV002838791.4), dbSNP rs752656397, ClinGen allele CA8808797.